The following is an entry in ClinVar:

NM_018897.3(DNAH7):c.641A>G (p.Tyr214Cys)

Gene: DNAH7 (dynein axonemal heavy chain 7; minus strand). Cytogenetic location: 2q32.3.
Variant type: single nucleotide variant.
Coding change: c.641A>G on transcript NM_018897.3 (MANE Select); coding-DNA position 641, A replaced by G.
Protein change: p.Tyr214Cys; replaces tyrosine 214 with cysteine.
Molecular consequence: missense variant.
Genome position (GRCh38, 1-based): chr2:196,026,786, T>C on the plus strand (A>G on the coding strand, the complement: DNAH7 is on the minus strand). VCF-style: chr2-196026786-T-C. GRCh37 (hg19) VCF-style: chr2-196891510-T-C.
Other names: short protein forms Y214C.
Identifiers: ClinVar variation 2403130 (VCV002403130.4), dbSNP rs375228059, ClinGen allele CA2036921.

ClinVar aggregate classification (germline): Uncertain significance. Review status: criteria provided, multiple submitters, no conflicts (2 of 4 stars). 2 submissions from 2 submitters: Uncertain significance (2). Last evaluated 2025-03-08.

Allele frequency attached by ClinVar (database versions not stated): gnomAD 0.00001; gnomAD exomes 0.00001; TOPMed 0.00001; ExAC 0.00002; ESP Exome Variant Server 0.00008.
gnomAD v4.1: 20 of 1,611,570 alleles (0.0012%); highest among the groups gnomAD compares: Middle Eastern, 0.066%; no homozygotes.

Submissions (2):

Ambry Genetics
Classification: Uncertain significance. Last evaluated: 2025-03-08. Review status: criteria provided, single submitter. Criteria: Ambry Variant Classification Scheme 2023. Collection method: clinical testing. Allele origin: germline.

GeneDx
Classification: Uncertain significance. Last evaluated: 2024-09-03. Review status: criteria provided, single submitter. Criteria: GeneDx Variant Classification Process June 2021. Collection method: clinical testing. Allele origin: germline. Affected: yes.
Comment: In silico analysis supports that this missense variant has a deleterious effect on protein structure/function; Has not been previously published as pathogenic or benign to our knowledge